The following is an entry in ClinVar:

ClinVar aggregate classification (germline): Likely benign. Review status: criteria provided, multiple submitters, no conflicts (2 of 4 stars). 2 submissions from 2 submitters: Likely benign (2). Last evaluated 2025-10-09.

Conditions:
CEP290-related disorder. Also called: CEP290-related disorders; CEP290-related condition. Identifiers: MedGen CN239314.
Nephronophthisis. Also called: Juvenile Nephronophthisis. Identifiers: Orphanet 655, MedGen C0687120, MONDO:0019005, HP:0000090.
Joubert syndrome. Also called: JOUBERT-BOLTSHAUSER SYNDROME; Familial aplasia of the vermis. Identifiers: Orphanet 475, MedGen C5979921, MONDO:0018772.
Meckel-Gruber syndrome. Also called: DYSENCEPHALIA SPLANCHNOCYSTICA; GRUBER SYNDROME; Dysencephalia splachnocystica. Identifiers: Orphanet 564, MedGen C0265215, MONDO:0018921.

Allele frequency attached by ClinVar (database versions not stated): gnomAD 0.00001; TOPMed 0.00002; gnomAD exomes 0.00008.
gnomAD v4.1: 109 of 1,605,020 alleles (0.0068%); highest among the groups gnomAD compares: Middle Eastern, 0.016%; no homozygotes.

Submissions (2):

Labcorp Genetics (formerly Invitae), Labcorp
Classification: Likely benign for Joubert syndrome; Meckel-Gruber syndrome; Nephronophthisis. Last evaluated: 2025-10-09. Review status: criteria provided, single submitter. Criteria: Invitae Variant Classification Sherloc (09022015). Collection method: clinical testing. Allele origin: germline.

PreventionGenetics, part of Exact Sciences
Classification: Likely benign for CEP290-related condition. Last evaluated: 2025-08-22. Review status: criteria provided, single submitter. Criteria: ACMG Guidelines, 2015. Collection method: clinical testing. Allele origin: germline.
Comment: This variant is classified as likely benign based on ACMG/AMP sequence variant interpretation guidelines (Richards et al. 2015 PMID: 25741868, with internal and published modifications).

NM_025114.4(CEP290):c.3633A>G (p.Gln1211=)

Gene: CEP290 (centrosomal protein 290; minus strand). Cytogenetic location: 12q21.32.
Variant type: single nucleotide variant.
Coding change: c.3633A>G on transcript NM_025114.4 (MANE Select); coding-DNA position 3633, A replaced by G.
Protein change: p.Gln1211=; no amino-acid change (glutamine 1211 retained).
Molecular consequence: synonymous variant.
Genome position (GRCh38, 1-based): chr12:88,089,428, T>C on the plus strand (A>G on the coding strand, the complement: CEP290 is on the minus strand). VCF-style: chr12-88089428-T-C. GRCh37 (hg19) VCF-style: chr12-88483205-T-C.
Identifiers: ClinVar variation 1906439 (VCV001906439.8), dbSNP rs747474049, ClinGen allele CA241164677.